The following continues an entry in ClinVar:

NM_000053.4(ATP7B):c.3182G>A (p.Gly1061Glu)

Gene: ATP7B. ClinVar aggregate classification (germline): Pathogenic. Pathogenic (22).

Submissions 22 to 23 of 23:

Neuberg Centre For Genomic Medicine, NCGM
Classification: Pathogenic for Wilson disease. Review status: criteria provided, single submitter. Criteria: ACMG Guidelines, 2015. Collection method: clinical testing. Allele origin: germline. Inheritance: Autosomal recessive inheritance. Affected: yes.
Comment: The observed missense variant c.3182G>A(p.Gly1061Glu) in ATP7B gene has been reported previously in homozygous and compound heterozygous state in multiple individual(s) with Wilson disease. This mutation is one of three common mutations often found in individuals with Wilson disease from South and East India, but has also been reported in affected individuals from other regions (Gupta A, et al., 2007; Guggilla SR, et al., 2015; Singh N, et al.,2019). The G1061E mutations, which are located within the ATPbinding domain, cause ATP7B retention in the endoplasmic reticulum, inhibit Cu-transport, and lower ATP7B protein abundance (Roy S, et al., 2020). This variant is reported with the allele frequency 0.005% in the gnomAD Exomes. This variant has been reported to the ClinVar database as Pathogenic (multiple submissions). The amino acid Glycine at position 1061 is changed to a Glutamic acid changing protein sequence and it might alter its composition and physico-chemical properties. Multiple lines of computational evidence (Polyphen - Probably damaging, SIFT - Damaging and MutationTaster - Disease causing) predict a damaging effect on protein structure and function for this variant. The residue is conserved by GERP++ and PhyloP across 100 vertebrates. For these reasons, this variant has been classified as Pathogenic.

Chongqing Key Laboratory of Child Rare Diseases in Infection and Immunity, Children’s Hospital of Chongqing Medical University
Classification: Uncertain significance for Wilson disease. Last evaluated: 2024-01-01. Review status: flagged submission. Criteria: ACMG Guidelines, 2015. Collection method: clinical testing. Allele origin: germline. Inheritance: Autosomal recessive inheritance. Affected: yes. Not counted in ClinVar's aggregate classification.
Comment: Classified as Uncertain significance according to the ACMG/AMP 2015 guidelines (PMID:25741868). The classification was based on the available submitted evidence for Wilson disease (OMIM:277900), including clinical-testing observations, variant consequence/protein annotation, and published or ClinVar evidence where available. Supporting information considered: variant annotation: p.Gly1061Glu; Missense; Protein domain: N-domain-enriched; submitted notation: NM_000053.4:c.3182G>A (p.Gly1061Glu); source variant type: Missense; source domain: N-domain-enriched; allele count n=230: 1.
ClinVar note: Reason: Outlier claim with insufficient supporting evidence

Literature cited by the submitters: PubMed 10502777 (cited by 8 submitters); PubMed 10544227 (cited by 8 submitters); PubMed 15024742 (cited by 3 submitters); PubMed 17264425 (cited by 6 submitters); PubMed 17823867 (cited by 4 submitters); PubMed 32778786 (cited by 3 submitters); PubMed 40661833 (cited by Variantyx, Inc.); PubMed 20301685 (cited by Variantyx, Inc.); PubMed 11216666 (cited by Color Diagnostics, LLC DBA Color Health and All of Us Research Program, National Institutes of Health); PubMed 15523622 (cited by Color Diagnostics, LLC DBA Color Health and All of Us Research Program, National Institutes of Health); PubMed 15952988 (cited by 5 submitters); PubMed 17634212 (cited by 4 submitters); PubMed 19172127 (cited by Color Diagnostics, LLC DBA Color Health and All of Us Research Program, National Institutes of Health); PubMed 20517649 (cited by Color Diagnostics, LLC DBA Color Health and All of Us Research Program, National Institutes of Health); PubMed 20967755 (cited by Color Diagnostics, LLC DBA Color Health and All of Us Research Program, National Institutes of Health); PubMed 23518715 (cited by Color Diagnostics, LLC DBA Color Health and All of Us Research Program, National Institutes of Health); PubMed 24094725 (cited by 3 submitters); PubMed 25982861 (cited by 5 submitters); PubMed 27982432 (cited by Color Diagnostics, LLC DBA Color Health and All of Us Research Program, National Institutes of Health); PubMed 30120852 (cited by Color Diagnostics, LLC DBA Color Health and All of Us Research Program, National Institutes of Health); PubMed 31059521 (cited by 3 submitters); PubMed 34002136 (cited by Color Diagnostics, LLC DBA Color Health and All of Us Research Program, National Institutes of Health); PubMed 35245129 (cited by Color Diagnostics, LLC DBA Color Health and All of Us Research Program, National Institutes of Health); PubMed 35535059 (cited by Color Diagnostics, LLC DBA Color Health and All of Us Research Program, National Institutes of Health); PubMed 23551039 (cited by Natera, Inc.); PubMed 30655162 (cited by 3billion); PubMed 22692182 (cited by Ambry Genetics).